The following is an entry in ClinVar:

NM_001040436.3(YARS2):c.91G>A (p.Ala31Thr)

Gene: YARS2 (tyrosyl-tRNA synthetase 2; minus strand). Cytogenetic location: 12p11.21.
Variant type: single nucleotide variant.
Coding change: c.91G>A on transcript NM_001040436.3 (MANE Select); coding-DNA position 91, G replaced by A.
Protein change: p.Ala31Thr; replaces alanine 31 with threonine.
Molecular consequence: missense variant.
Genome position (GRCh38, 1-based): chr12:32,755,784, C>T on the plus strand (G>A on the coding strand, the complement: YARS2 is on the minus strand). VCF-style: chr12-32755784-C-T. GRCh37 (hg19) VCF-style: chr12-32908718-C-T.
Other names: c.91G>A (NM_001040436.2); short protein forms A31T.
Identifiers: ClinVar variation 1470875 (VCV001470875.5), dbSNP rs768113250, ClinGen allele CA6508243.
Genomic context (GRCh38, chr12:32,755,784, plus strand): 5'-AGTCCTTGAACAGACCTCGAGCCTTCTGCGCTGCCAGTAACCCCTGAGCGCCCGAGTGGG[C>T]CTTACGCAGCCCCAAGGGCAACAATACTGAGAGATTTAGGGTACCAGACCACCGGCCCCA-3'
Protein context (NP_001035526.1, residues 21-41): SVLLPLGLRK[Ala31Thr]HSGAQGLLAA

ClinVar aggregate classification (germline): Uncertain significance. Review status: criteria provided, multiple submitters, no conflicts (2 of 4 stars). 2 submissions from 2 submitters: Uncertain significance (2). Last evaluated 2025-02-07.

Conditions:
Inborn genetic diseases. Identifiers: MedGen C0950123, MeSH D030342.

Allele frequency attached by ClinVar (database versions not stated): gnomAD exomes below 0.00001; ExAC 0.00001.

Submissions (2):

Ambry Genetics
Classification: Uncertain significance for Inborn genetic diseases. Last evaluated: 2025-02-07. Review status: criteria provided, single submitter. Criteria: Ambry Variant Classification Scheme 2023. Collection method: clinical testing. Allele origin: germline.

Labcorp Genetics (formerly Invitae), Labcorp
Classification: Uncertain significance. Last evaluated: 2024-08-13. Review status: criteria provided, single submitter. Criteria: Invitae Variant Classification Sherloc (09022015). Collection method: clinical testing. Allele origin: germline.
Comment: This sequence change replaces alanine, which is neutral and non-polar, with threonine, which is neutral and polar, at codon 31 of the YARS2 protein (p.Ala31Thr). This variant is present in population databases (rs768113250, gnomAD 0.006%). This variant has not been reported in the literature in individuals affected with YARS2-related conditions. ClinVar contains an entry for this variant (Variation ID: 1470875). Advanced modeling of protein sequence and biophysical properties (such as structural, functional, and spatial information, amino acid conservation, physicochemical variation, residue mobility, and thermodynamic stability) performed at Invitae indicates that this missense variant is not expected to disrupt YARS2 protein function with a negative predictive value of 95%. In summary, the available evidence is currently insufficient to determine the role of this variant in disease. Therefore, it has been classified as a Variant of Uncertain Significance.